The following is an entry in ClinVar:

NM_019594.4(LRRC8A):c.929G>C (p.Cys310Ser)

Gene: LRRC8A (leucine rich repeat containing 8 VRAC subunit A; plus strand). Cytogenetic location: 9q34.11.
Variant type: single nucleotide variant.
Coding change: c.929G>C on transcript NM_019594.4 (MANE Select); coding-DNA position 929, G replaced by C.
Protein change: p.Cys310Ser; replaces cysteine 310 with serine.
Molecular consequence: missense variant.
Genome position (GRCh38, 1-based): chr9:128,908,093, G>C. VCF-style: chr9-128908093-G-C. GRCh37 (hg19) VCF-style: chr9-131670372-G-C.
Other names: c.929G>C, p.Cys310Ser (NM_001127244.2, NM_001127245.2); short protein forms C310S.
Identifiers: ClinVar variation 4774934 (VCV004774934.1).

ClinVar aggregate classification (germline): Uncertain significance (1 of 4 stars; one submission).

gnomAD v4.1: 1 of 1,613,948 alleles (0.000062%); highest among the groups gnomAD compares: African/African-American, 0.0013%; no homozygotes.

Submission:

Labcorp Genetics (formerly Invitae), Labcorp
Classification: Uncertain significance. Last evaluated: 2025-12-15. Review status: criteria provided, single submitter. Criteria: Invitae Variant Classification Sherloc (09022015). Collection method: clinical testing. Allele origin: germline.
Comment: This sequence change replaces cysteine, which is neutral and slightly polar, with serine, which is neutral and polar, at codon 310 of the LRRC8A protein (p.Cys310Ser). This variant is present in population databases (rs772854961, gnomAD 0.007%). This variant has not been reported in the literature in individuals affected with LRRC8A-related conditions. An algorithm developed to predict the effect of missense changes on protein structure and function (PolyPhen-2) suggests that this variant is likely to be disruptive. In summary, the available evidence is currently insufficient to determine the role of this variant in disease. Therefore, it has been classified as a Variant of Uncertain Significance.